The following is an entry in ClinVar:

ClinVar aggregate classification (germline): Likely benign (1 of 4 stars; one submission).

Allele frequency attached by ClinVar (database versions not stated): TOPMed below 0.00001; ExAC 0.00001; ESP Exome Variant Server 0.00008.

Submission:

CeGaT Center for Human Genetics Tuebingen
Classification: Likely benign. Last evaluated: 2022-10-01. Review status: criteria provided, single submitter. Criteria: CeGaT Center For Human Genetics Tuebingen Variant Classification Criteria Version 2. Collection method: clinical testing. Allele origin: germline. Affected: yes. Observed: 1 variant allele.
Comment: ARHGAP21: PM2:Supporting, BP4, BP7

NM_020824.4(ARHGAP21):c.2343C>T (p.Val781=)

Gene: ARHGAP21 (Rho GTPase activating protein 21; minus strand). Cytogenetic location: 10p12.1.
Variant type: single nucleotide variant.
Coding change: c.2343C>T on transcript NM_020824.4 (MANE Select); coding-DNA position 2343, C replaced by T.
Protein change: p.Val781=; no amino-acid change (valine 781 retained).
Molecular consequence: synonymous variant. On other transcripts: non-coding transcript variant (5).
Genome position (GRCh38, 1-based): chr10:24,619,552, G>A on the plus strand (C>T on the coding strand, the complement: ARHGAP21 is on the minus strand). VCF-style: chr10-24619552-G-A. GRCh37 (hg19) VCF-style: chr10-24908481-G-A.
Other names: c.2313C>T, p.Val771= (NM_001367447.1, NM_001367451.1, NM_001367453.1); c.2343C>T, p.Val781= (NM_001367448.1, NM_001367454.1); c.2049C>T, p.Val683= (NM_001367449.1, NM_001367450.1); c.1872C>T, p.Val624= (NM_001367452.1); c.1704C>T, p.Val568= (NM_001367455.1).
Identifiers: ClinVar variation 2640354 (VCV002640354.24), dbSNP rs375040008, ClinGen allele CA5441653.